The following is an entry in ClinVar:

ClinVar aggregate classification (germline): Uncertain significance. Review status: criteria provided, multiple submitters, no conflicts (2 of 4 stars). 2 submissions from 2 submitters: Uncertain significance (2). Last evaluated 2025-10-23.

Conditions:
Cardiovascular phenotype. Identifiers: MedGen CN230736.

Allele frequency attached by ClinVar (database versions not stated): gnomAD exomes below 0.00001 and 0.00001; gnomAD 0.00001 and 0.00002; TOPMed 0.00001.
gnomAD v4.1: 11 of 1,606,148 alleles (0.00068%); highest among the groups gnomAD compares: Admixed American, 0.0068%; no homozygotes.

Submissions (2):

Labcorp Genetics (formerly Invitae), Labcorp
Classification: Uncertain significance. Last evaluated: 2025-10-23. Review status: criteria provided, single submitter. Criteria: Invitae Variant Classification Sherloc (09022015). Collection method: clinical testing. Allele origin: germline.
Comment: This sequence change replaces serine, which is neutral and polar, with proline, which is neutral and non-polar, at codon 1340 of the ALPK3 protein (p.Ser1340Pro). The frequency data for this variant in the population databases is considered unreliable, as metrics indicate poor data quality at this position in the gnomAD database. This variant has not been reported in the literature in individuals affected with ALPK3-related conditions. ClinVar contains an entry for this variant (Variation ID: 1413915). Invitae Evidence Modeling of protein sequence and biophysical properties (such as structural, functional, and spatial information, amino acid conservation, physicochemical variation, residue mobility, and thermodynamic stability) indicates that this missense variant is not expected to disrupt ALPK3 protein function with a negative predictive value of 80%. In summary, the available evidence is currently insufficient to determine the role of this variant in disease. Therefore, it has been classified as a Variant of Uncertain Significance.

Ambry Genetics
Classification: Uncertain significance for Cardiovascular phenotype. Last evaluated: 2025-08-24. Review status: criteria provided, single submitter. Criteria: Ambry Variant Classification Scheme 2023. Collection method: clinical testing. Allele origin: germline.
Comment: The p.S1340P variant (also known as c.4018T>C), located in coding exon 6 of the ALPK3 gene, results from a T to C substitution at nucleotide position 4018. The serine at codon 1340 is replaced by proline, an amino acid with similar properties. This amino acid position is conserved. In addition, this alteration is predicted to be tolerated by in silico analysis. Based on the available evidence, the clinical significance of this variant remains unclear.

NM_020778.5(ALPK3):c.3412T>C (p.Ser1138Pro)

Gene: ALPK3 (alpha kinase 3; plus strand). Cytogenetic location: 15q25.3.
Variant type: single nucleotide variant.
Coding change: c.3412T>C on transcript NM_020778.5 (MANE Select); coding-DNA position 3412, T replaced by C.
Protein change: p.Ser1138Pro; replaces serine 1138 with proline.
Molecular consequence: missense variant.
Genome position (GRCh38, 1-based): chr15:84,858,150, T>C. VCF-style: chr15-84858150-T-C. GRCh37 (hg19) VCF-style: chr15-85401381-T-C.
Other names: c.4018T>C (NM_020778.4); short protein forms S1138P.
Identifiers: ClinVar variation 1413915 (VCV001413915.8), dbSNP rs1213169185, ClinGen allele CA393360214.